The following is an entry in ClinVar:

ClinVar aggregate classification (germline): Uncertain significance. Review status: criteria provided, multiple submitters, no conflicts (2 of 4 stars). 2 submissions from 2 submitters: Uncertain significance (2). Last evaluated 2023-07-27.

Conditions:
Hereditary cancer-predisposing syndrome. Also called: Hereditary neoplastic syndrome; Neoplastic Syndromes, Hereditary; Tumor predisposition; Hereditary Cancer Syndrome. Identifiers: Orphanet 140162, MedGen C0027672, MeSH D009386, MONDO:0015356.
Ataxia-telangiectasia syndrome (AT). Also called: Ataxia telangiectasia (A-T); LOUIS-BAR SYNDROME; Cerebello-oculocutaneous telangiectasia; Immunodeficiency with ataxia telangiectasia; Ataxia-telangiectasia, complementation group D; AT, COMPLEMENTATION GROUP C. Identifiers: Orphanet 100, MedGen C0004135, MONDO:0008840, OMIM 208900.

Submissions (2):

Labcorp Genetics (formerly Invitae), Labcorp
Classification: Uncertain significance for Ataxia-telangiectasia syndrome. Last evaluated: 2023-07-27. Review status: criteria provided, single submitter. Criteria: Invitae Variant Classification Sherloc (09022015). Collection method: clinical testing. Allele origin: germline.
Comment: In summary, the available evidence is currently insufficient to determine the role of this variant in disease. Therefore, it has been classified as a Variant of Uncertain Significance. An algorithm developed to predict the effect of missense changes on protein structure and function (PolyPhen-2) suggests that this variant is likely to be disruptive. ClinVar contains an entry for this variant (Variation ID: 1765137). This variant has not been reported in the literature in individuals affected with ATM-related conditions. This variant is not present in population databases (gnomAD no frequency). This sequence change replaces aspartic acid, which is acidic and polar, with tyrosine, which is neutral and polar, at codon 2976 of the ATM protein (p.Asp2976Tyr).

Ambry Genetics
Classification: Uncertain significance for Hereditary cancer-predisposing syndrome. Last evaluated: 2015-11-17. Review status: criteria provided, single submitter. Criteria: Ambry Variant Classification Scheme 2023. Collection method: clinical testing. Allele origin: germline.
Comment: The p.D2976Y variant (also known as c.8926G>T), located in coding exon 61 of the ATM gene, results from a G to T substitution at nucleotide position 8926. The aspartic acid at codon 2976 is replaced by tyrosine, an amino acid with highly dissimilar properties. This variant was not reported in population based cohorts in the following databases: Database of Single Nucleotide Polymorphisms (dbSNP), NHLBI Exome Sequencing Project (ESP), and 1000 Genomes Project. In the ESP, this variant was not observed in 6499 samples (12998 alleles) with coverage at this position. To date, this alteration has been detected with an allele frequency of approximately 0.001% (greater than 125000 alleles tested) in our clinical cohort. This amino acid position is well conserved in available vertebrate species. In addition, this alteration is predicted to be tolerated by in silico analysis. Since supporting evidence is limited at this time, the clinical significance of p.D2976Y remains unclear.

NM_000051.4(ATM):c.8926G>T (p.Asp2976Tyr)

Genes: ATM (ATM serine/threonine kinase; plus strand), C11orf65 (chromosome 11 open reading frame 65; minus strand). Cytogenetic location: 11q22.3.
Variant type: single nucleotide variant.
Coding change: c.8926G>T on transcript NM_000051.4 (MANE Select); coding-DNA position 8926, G replaced by T.
Protein change: p.Asp2976Tyr; replaces aspartic acid 2976 with tyrosine.
Molecular consequence: missense variant. On other transcripts: intron variant (2).
Genome position (GRCh38, 1-based): chr11:108,365,157, G>T. VCF-style: chr11-108365157-G-T. GRCh37 (hg19) VCF-style: chr11-108235884-G-T.
Other names: c.8926G>T, p.Asp2976Tyr (NM_001351834.2); c.640+20763C>A (NM_001330368.2); c.694+20763C>A (NM_001351110.2); short protein forms D2976Y.
Identifiers: ClinVar variation 1765137 (VCV001765137.5), dbSNP rs2137880459, ClinGen allele CA382529996.